The following is an entry in ClinVar:

ClinVar aggregate classification (germline): Pathogenic (1 of 4 stars; one submission).

Conditions:
Primary ciliary dyskinesia 3. Identifiers: Orphanet 244, MedGen C1837618, MONDO:0012085, OMIM 608644.

Submission:

Myriad Genetics, Inc.
Classification: Pathogenic for Primary ciliary dyskinesia 3. Last evaluated: 2024-05-14. Review status: criteria provided, single submitter. Criteria: Myriad Autosomal Dominant, Autosomal Recessive and X-Linked Classification Criteria (2023). Collection method: clinical testing. Allele origin: unknown.
Comment: NM_001369.2(DNAH5):c.9345_9346ins19(R3116Sfs*6) is expected to be pathogenic in the context of primary ciliary dyskinesia, DNAH5-related. This variant is predicted to lead to an abnormal or absent protein product due to the creation of a premature termination codon in DNAH5, a gene where loss-of-function variants are known to be pathogenic. Please note: this variant was assessed in the context of healthy population screening.

NM_001369.3(DNAH5):c.9345_9346insTCTTATACACATCTGTGAT (p.Arg3116delinsSerTyrThrHisLeuTer)

Gene: DNAH5 (dynein axonemal heavy chain 5; minus strand). Cytogenetic location: 5p15.2.
Variant type: Insertion.
Coding change: c.9345_9346insTCTTATACACATCTGTGAT on transcript NM_001369.3 (MANE Select); coding-DNA positions 9345 to 9346, TCTTATACACATCTGTGAT inserted.
Protein change: p.Arg3116delinsSerTyrThrHisLeuTer.
Molecular consequence: nonsense.
Genome position: GRCh38 VCF-style: chr5-13776466-G-GATCACAGATGTGTATAAGA. GRCh37 (hg19) VCF-style: chr5-13776575-G-GATCACAGATGTGTATAAGA.
Identifiers: ClinVar variation 5016259 (VCV005016259.1).